The following is an entry in ClinVar:

ClinVar aggregate classification (germline): Uncertain significance. Review status: reviewed by expert panel (3 of 4 stars). 7 submissions from 7 submitters: Uncertain significance (1). 6 of the submissions do not count toward it. Last evaluated 2026-08-17.

Conditions:
Hurler syndrome. Also called: Severe MPS I (Hurler Syndrome); Gargoylism, Hurler Syndrome; MUCOPOLYSACCHARIDOSIS TYPE IH. Identifiers: Orphanet 93473, MedGen C0086795, MONDO:0011758, OMIM 607014.
Mucopolysaccharidosis type 1. Also called: IDUA deficiency; MPS I; Mucopolysaccharidosis Type I. Identifiers: Orphanet 579, MedGen C0023786, MONDO:0001586.
IDUA-related disorder. Also called: IDUA-related condition.

gnomAD v4.1: 13 of 1,553,344 alleles (0.00084%); highest among the groups gnomAD compares: Non-Finnish European, 0.00044%; no homozygotes.

Submissions (7):

ClinGen Lysosomal Storage Disorder Variant Curation Expert Panel
Classification: Uncertain significance for Mucopolysaccharidosis type 1. Last evaluated: 2026-08-17. Review status: reviewed by expert panel. Criteria: ClinGen LSD ACMG Specifications IDUA V1.2.0. Collection method: curation. Allele origin: germline. Inheritance: Autosomal recessive inheritance.
Comment: he NM_000203.5:c.1163C>T variant in IDUA is a missense variant predicted to cause substitution of Threonine by Methionine at amino acid 388 (p.Thr388Met). This variant has a computational predictor REVEL score of 0.768 which is in the range 0.644-0.773, evidence that correlates with impact to IDUA function at the supporting level (PMID: 36413997) (PP3). The highest population minor allele frequency in gnomAD v4.1.0 is 0.000004 (5/1149352 alleles) in the Non-Finnish European population and 0.0001 (8/60186 alleles) in the remaining individuals, both are lower than the ClinGen Lysosomal Diseases VCEP’s threshold for PM2_Supporting (<0.00025), meeting this criterion (PM2_Supporting). Two infants were picked up on newborn screening (NBS), and therefore, clinical features were not provided. One infant had abnormal enzyme levels (specific values not provided) and both infants had normal urine GAG levels. Due to this information, PP4 is not met. Two additional missense variants, c.1163C>G (p.Thr388Arg; ClinVarID:496834) and c.1163C>A (p.Thr388Lys; ClinVarID:198696), in the same codon has been classified as likely pathogenic for MPS I by the ClinGen Lysosomal Diseases VCEP (PM5_Supporting). In summary, this variant meets the criteria to be classified as a variant of uncertain significance (VUS) for MPS I based on the ACMG/AMP criteria applied, as specified by the ClinGen Lysosomal Diseases Variant Curation Expert Panel (Specifications Version 1.2.0): PP3; PM2_supporting; PM5_Supporting (Classification approved by the ClinGen Lysosomal Diseases Variant Curation Expert Panel on August 17, 2026)

PreventionGenetics, part of Exact Sciences
Classification: Uncertain significance for IDUA-related condition. Last evaluated: 2026-05-22. Review status: criteria provided, single submitter. Criteria: ACMG Guidelines, 2015. Collection method: clinical testing. Allele origin: germline. Not counted in ClinVar's aggregate classification.
Comment: The IDUA c.1163C>T variant is predicted to result in the amino acid substitution p.Thr388Met. This variant has been reported in the compound heterozygous state in a newborn with deficient IDUA activity, but normal urine glycosaminoglycans (Burton et al. 2017. PubMed ID: 28728811). An alternate nucleotide change affecting the same amino acid (c.1163C>G; p.Thr388Arg) has been reported in several individuals with mucopolysaccharidosis, Hurler and Hurler/Scheie syndrome (Ghosh et al. 2017. PubMed ID: 28752568) and is classified as pathogenic (Internal Data, PreventionGenetics). This variant has not been reported in gnomAD v2; however, the quality of this data is questionable and should be treated with caution. In gnomAD v4 (available only on hg38), this variant is reported in 13 alleles out of 1553344 alleles. Although we suspect that this variant may be pathogenic, at this time, the clinical significance of this variant is uncertain due to the absence of conclusive functional and genetic evidence.

Labcorp Genetics (formerly Invitae), Labcorp
Classification: Likely pathogenic for Mucopolysaccharidosis type 1. Last evaluated: 2026-01-20. Review status: criteria provided, single submitter. Criteria: Invitae Variant Classification Sherloc (09022015). Collection method: clinical testing. Allele origin: germline. Not counted in ClinVar's aggregate classification.
Comment: This sequence change replaces threonine, which is neutral and polar, with methionine, which is neutral and non-polar, at codon 388 of the IDUA protein (p.Thr388Met). This variant is not present in population databases (gnomAD no frequency). This missense change has been observed in individual(s) with clinical features of mucopolysaccharidosis type I (PMID: 28728811). ClinVar contains an entry for this variant (Variation ID: 558615). Invitae Evidence Modeling of protein sequence and biophysical properties (such as structural, functional, and spatial information, amino acid conservation, physicochemical variation, residue mobility, and thermodynamic stability) has been performed for this missense variant. However, the output from this modeling did not meet the statistical confidence thresholds required to predict the impact of this variant on IDUA protein function. This variant disrupts the p.Thr388 amino acid residue in IDUA. Other variant(s) that disrupt this residue have been determined to be pathogenic (PMID: 14516901, 17606547, 21253827, 28752568). This suggests that this residue is clinically significant, and that variants that disrupt this residue are likely to be disease-causing. In summary, the currently available evidence indicates that the variant is pathogenic, but additional data are needed to prove that conclusively. Therefore, this variant has been classified as Likely Pathogenic.

Revvity Omics, Revvity
Classification: Uncertain significance. Last evaluated: 2025-02-13. Review status: criteria provided, single submitter. Criteria: ACMG Guidelines, 2015. Collection method: clinical testing. Allele origin: germline. Not counted in ClinVar's aggregate classification.

GeneDx
Classification: Uncertain significance. Last evaluated: 2024-03-04. Review status: criteria provided, single submitter. Criteria: GeneDx Variant Classification Process June 2021. Collection method: clinical testing. Allele origin: germline. Affected: yes. Not counted in ClinVar's aggregate classification.
Comment: Not observed at significant frequency in large population cohorts (gnomAD); In silico analysis supports that this missense variant has a deleterious effect on protein structure/function; Has not been previously published as pathogenic or benign to our knowledge

Blueprint Genetics
Classification: Uncertain significance. Last evaluated: 2022-04-27. Review status: criteria provided, single submitter. Criteria: ACMG Guidelines, 2015. Collection method: clinical testing. Allele origin: germline. Not counted in ClinVar's aggregate classification.

Counsyl
Classification: Uncertain significance for Hurler syndrome. Last evaluated: 2018-05-31. Review status: no assertion criteria provided. Collection method: clinical testing. Allele origin: unknown. Not counted in ClinVar's aggregate classification.

Literature cited by the submitters: PubMed 28728811 (cited by Labcorp Genetics (formerly Invitae), Labcorp); PubMed 14516901 (cited by Labcorp Genetics (formerly Invitae), Labcorp); PubMed 17606547 (cited by Labcorp Genetics (formerly Invitae), Labcorp); PubMed 21253827 (cited by Labcorp Genetics (formerly Invitae), Labcorp); PubMed 28752568 (cited by Labcorp Genetics (formerly Invitae), Labcorp).

NM_000203.5(IDUA):c.1163C>T (p.Thr388Met)

Gene: IDUA (alpha-L-iduronidase; plus strand). Cytogenetic location: 4p16.3.
Variant type: single nucleotide variant.
Coding change: c.1163C>T on transcript NM_000203.5 (MANE Select); coding-DNA position 1163, C replaced by T.
Protein change: p.Thr388Met; replaces threonine 388 with methionine.
Molecular consequence: missense variant. On other transcripts: non-coding transcript variant (1).
Genome position (GRCh38, 1-based): chr4:1,002,459, C>T. VCF-style: chr4-1002459-C-T. GRCh37 (hg19) VCF-style: chr4-996247-C-T.
Other names: NM_000203.5(IDUA):c.1163C>T; p.Thr388Met; c.767C>T, p.Thr256Met (NM_001363576.1); c.1163C>T (NM_000203.4); short protein forms T388M, T256M.
Identifiers: ClinVar variation 558615 (VCV000558615.14), dbSNP rs794727896, ClinGen allele CA355963455.
Genomic context (GRCh38, chr4:1,002,459, plus strand): 5'-GCTTCCAGGTCAACAACACCCGCCCGCCGCACGTGCAGCTGTTGCGCAAGCCGGTGCTCA[C>T]GGCCATGGGGCTGCTGGCGCTGCTGGGTGAGCCGGGGCCGCTGGGGTGGGCCGGCCAGGG-3'
Protein context (NP_000194.2, residues 378-398): HVQLLRKPVL[Thr388Met]AMGLLALLDE